The following is an entry in ClinVar:

NM_001374353.1(GLI2):c.713T>C (p.Leu238Pro)

Gene: GLI2 (GLI family zinc finger 2; plus strand). Cytogenetic location: 2q14.2.
Variant type: single nucleotide variant.
Coding change: c.713T>C on transcript NM_001374353.1 (MANE Select); coding-DNA position 713, T replaced by C.
Protein change: p.Leu238Pro; replaces leucine 238 with proline.
Molecular consequence: missense variant.
Genome position (GRCh38, 1-based): chr2:120,968,783, T>C. VCF-style: chr2-120968783-T-C. GRCh37 (hg19) VCF-style: chr2-121726359-T-C.
Other names: c.713T>C, p.Leu238Pro (NM_001371271.1, NM_005270.5); c.338T>C, p.Leu113Pro (NM_001374354.1); short protein forms L238P, L113P.
Identifiers: ClinVar variation 565646 (VCV000565646.7), dbSNP rs1558923316, ClinGen allele CA348165774.
Genomic context (GRCh38, chr2:120,968,783, plus strand): 5'-TCTCCAGCCCGCGGGTGACGCCCCGCCTGAGCCGCAAGCGGGCGCTGTCCATCTCCCCAC[T>C]CTCAGACGCCAGCCTGGACCTGCAGCGGATGATCCGCACCTCACCCAACTCGCTAGTGGC-3'
Protein context (NP_001361282.1, residues 228-248): SRKRALSISP[Leu238Pro]SDASLDLQRM

ClinVar aggregate classification (germline): Uncertain significance (1 of 4 stars; one submission).

Conditions:
Holoprosencephaly 9 (HPE9). Also called: PITUITARY ANOMALIES WITH HOLOPROSENCEPHALY-LIKE FEATURES; HOLOPROSENCEPHALY WITH MICROPHTHALMIA AND FIRST BRANCHIAL ARCH ANOMALIES. Identifiers: Orphanet 2162, MedGen C1835819, MONDO:0012563, OMIM 610829.
Postaxial polydactyly-anterior pituitary anomalies-facial dysmorphism syndrome. Also called: Culler-Jones syndrome. Identifiers: Orphanet 420584, MedGen C4014479, MONDO:0014369, OMIM 615849.

Allele frequency attached by ClinVar (database versions not stated): gnomAD below 0.00001 and 0.00001; gnomAD exomes below 0.00001.
gnomAD v4.1: 6 of 1,613,450 alleles (0.00037%); highest among the groups gnomAD compares: South Asian, 0.0011%; no homozygotes.

Submission:

Labcorp Genetics (formerly Invitae), Labcorp
Classification: Uncertain significance for Postaxial polydactyly-anterior pituitary anomalies-facial dysmorphism syndrome; Holoprosencephaly 9. Last evaluated: 2018-06-20. Review status: criteria provided, single submitter. Criteria: Invitae Variant Classification Sherloc (09022015). Collection method: clinical testing. Allele origin: germline.
Comment: This sequence change replaces leucine with proline at codon 238 of the GLI2 protein (p.Leu238Pro). The leucine residue is highly conserved and there is a moderate physicochemical difference between leucine and proline. This variant is not present in population databases (ExAC no frequency). Algorithms developed to predict the effect of missense changes on protein structure and function (SIFT, PolyPhen-2, Align-GVGD) all suggest that this variant is likely to be disruptive, but these predictions have not been confirmed by published functional studies and their clinical significance is uncertain. In summary, the available evidence is currently insufficient to determine the role of this variant in disease. Therefore, it has been classified as a Variant of Uncertain Significance.